The following is an entry in ClinVar:

NM_004606.5(TAF1):c.2422C>G (p.Leu808Val)

Gene: TAF1 (TATA-box binding protein associated factor 1; plus strand). Cytogenetic location: Xq13.1.
Variant type: single nucleotide variant.
Coding change: c.2422C>G on transcript NM_004606.5 (MANE Select); coding-DNA position 2422, C replaced by G.
Protein change: p.Leu808Val; replaces leucine 808 with valine.
Molecular consequence: missense variant. On other transcripts: non-coding transcript variant (9).
Genome position (GRCh38, 1-based): chrX:71,387,456, C>G. VCF-style: chrX-71387456-C-G. GRCh37 (hg19) VCF-style: chrX-70607306-C-G.
Other names: c.2422C>G, p.Leu808Val (NM_001286074.2); c.2359C>G, p.Leu787Val (NM_138923.4); short protein forms L787V, L808V.
Identifiers: ClinVar variation 2429693 (VCV002429693.1), dbSNP rs768879381, ClinGen allele CA413519280.
Genomic context (GRCh38, chrX:71,387,456, plus strand): 5'-CCCTTGTTTGAAGTTCCTGGGCCTAACTCCAAAAGGGCCAATACGCATATTCGAGACTTT[C>G]TACAGGTAAGAATGGGAGGATAGGGAGGGGATTGGGTTGTATACAGAAAGGGTATGTTGG-3'
Protein context (NP_004597.3, residues 798-818): KRANTHIRDF[Leu808Val]QVFIYRLFWK

ClinVar aggregate classification (germline): Uncertain significance (1 of 4 stars; one submission).

Submission:

GeneDx
Classification: Uncertain significance. Last evaluated: 2022-08-07. Review status: criteria provided, single submitter. Criteria: GeneDx Variant Classification Process June 2021. Collection method: clinical testing. Allele origin: germline. Affected: yes.
Comment: Not observed at significant frequency in large population cohorts (gnomAD); In silico analysis supports that this missense variant has a deleterious effect on protein structure/function; Has not been previously published as pathogenic or benign to our knowledge